The following is an entry in ClinVar:

ClinVar aggregate classification (germline): Uncertain significance (1 of 4 stars; one submission).

Conditions:
Charlevoix-Saguenay spastic ataxia (SACS). Also called: SPASTIC ATAXIA 6, AUTOSOMAL RECESSIVE; AUTOSOMAL RECESSIVE SPASTIC ATAXIA OF CHARLEVOIX-SAGUENAY; Spastic ataxia of Charlevoix-Saguenay. Identifiers: Orphanet 98, MedGen C1849140, MONDO:0010041, OMIM 270550.

Submission:

Myriad Genetics, Inc.
Classification: Uncertain significance for Charlevoix-Saguenay spastic ataxia. Last evaluated: 2025-09-12. Review status: criteria provided, single submitter. Criteria: Myriad Autosomal Dominant, Autosomal Recessive and X-Linked Classification Criteria (2023). Collection method: clinical testing. Allele origin: unknown.
Comment: NM_014363.4(SACS):c.3767A>G(Y1256C) is a missense variant classified as a variant of uncertain significance in the context of autosomal recessive spastic ataxia of Charlevoix-Saguenay. Y1256C has been observed in a case with relevant disease (PMID: 33624863, 35130357). Relevant functional assessments of this variant are not available in the literature. Y1256C has not been observed in referenced population frequency databases. In summary, there is insufficient evidence to classify NM_014363.4(SACS):c.3767A>G(Y1256C) as pathogenic or benign. Please note: this variant was assessed in the context of healthy population screening.

Literature cited by the submitters: PubMed 33624863; PubMed 35130357.

NM_014363.6(SACS):c.3767A>G (p.Tyr1256Cys)

Gene: SACS (sacsin molecular chaperone; minus strand). Cytogenetic location: 13q12.12.
Variant type: single nucleotide variant.
Coding change: c.3767A>G on transcript NM_014363.6 (MANE Select); coding-DNA position 3767, A replaced by G.
Protein change: p.Tyr1256Cys; replaces tyrosine 1256 with cysteine.
Molecular consequence: missense variant.
Genome position (GRCh38, 1-based): chr13:23,340,109, T>C on the plus strand (A>G on the coding strand, the complement: SACS is on the minus strand). VCF-style: chr13-23340109-T-C. GRCh37 (hg19) VCF-style: chr13-23914248-T-C.
Other names: c.3326A>G, p.Tyr1109Cys (NM_001278055.2); c.3794A>G, p.Tyr1265Cys (NM_001437336.1); short protein forms Y1109C, Y1256C, Y1265C.
Identifiers: ClinVar variation 5003552 (VCV005003552.1).